The following is an entry in ClinVar:

NM_032043.3(BRIP1):c.3710C>A (p.Ser1237Tyr)

Gene: BRIP1 (BRCA1 interacting DNA helicase 1; minus strand). Cytogenetic location: 17q23.2.
Variant type: single nucleotide variant.
Coding change: c.3710C>A on transcript NM_032043.3 (MANE Select); coding-DNA position 3710, C replaced by A.
Protein change: p.Ser1237Tyr; replaces serine 1237 with tyrosine.
Molecular consequence: missense variant.
Genome position (GRCh38, 1-based): chr17:61,683,336, G>T on the plus strand (C>A on the coding strand, the complement: BRIP1 is on the minus strand). VCF-style: chr17-61683336-G-T. GRCh37 (hg19) VCF-style: chr17-59760697-G-T.
Other names: short protein forms S1237Y.
Identifiers: ClinVar variation 506573 (VCV000506573.7), dbSNP rs587781819, ClinGen allele CA400477772.
Genomic context (GRCh38, chr17:61,683,336, plus strand): 5'-AGCTTGAGAGTTAAGTATTATTACTTAAAACCAGGAAACATGCCTTTATTTTTGGAAGGA[G>T]ATGGTTTAAAGTTCTTTATTTCTATTTCATGAGTTTTTCCCAGTTCCAGTTCATTTATCC-3'
Protein context (NP_114432.2, residues 1227-1247): HEIEIKNFKP[Ser1237Tyr]PSKNKGMFPG

ClinVar aggregate classification (germline): Conflicting classifications of pathogenicity. Review status: criteria provided, conflicting classifications (1 of 4 stars). 2 submissions from 2 submitters: Uncertain significance (1); Likely benign (1). Last evaluated 2021-08-31.

Conditions:
Familial cancer of breast. Also called: BREAST CANCER, FAMILIAL; Hereditary breast cancer; hereditary breast carcinoma. Identifiers: Orphanet 227535, MedGen C0346153, MONDO:0016419, OMIM 114480. Disease mechanism: loss of function.
Fanconi anemia complementation group J. Also called: BRIP1-Related Fanconi Anemia. Identifiers: Orphanet 84, MedGen C1836860, MONDO:0012187, OMIM 609054.

Submissions (2):

Labcorp Genetics (formerly Invitae), Labcorp
Classification: Uncertain significance for Familial cancer of breast; Fanconi anemia complementation group J. Last evaluated: 2021-08-31. Review status: criteria provided, single submitter. Criteria: Invitae Variant Classification Sherloc (09022015). Collection method: clinical testing. Allele origin: germline.
Comment: This variant is not present in population databases (ExAC no frequency). This sequence change replaces serine with tyrosine at codon 1237 of the BRIP1 protein (p.Ser1237Tyr). The serine residue is weakly conserved and there is a large physicochemical difference between serine and tyrosine. This variant has not been reported in the literature in individuals affected with BRIP1-related conditions. In summary, the available evidence is currently insufficient to determine the role of this variant in disease. Therefore, it has been classified as a Variant of Uncertain Significance. Algorithms developed to predict the effect of missense changes on protein structure and function are either unavailable or do not agree on the potential impact of this missense change (SIFT: "Tolerated"; PolyPhen-2: "Possibly Damaging"; Align-GVGD: "Class C0"). ClinVar contains an entry for this variant (Variation ID: 506573).

GeneDx
Classification: Likely benign. Last evaluated: 2017-01-27. Review status: criteria provided, single submitter. Criteria: GeneDx Variant Classification (06012015). Collection method: clinical testing. Allele origin: germline. Affected: yes.
Comment: This variant is considered likely benign or benign based on one or more of the following criteria: it is a conservative change, it occurs at a poorly conserved position in the protein, it is predicted to be benign by multiple in silico algorithms, and/or has population frequency not consistent with disease.